The following is an entry in ClinVar:

NM_000548.5(TSC2):c.5160+3G>C

Gene: TSC2 (TSC complex subunit 2; plus strand). Cytogenetic location: 16p13.3.
Variant type: single nucleotide variant.
Coding change: c.5160+3G>C on transcript NM_000548.5 (MANE Select); 3 bases into the intron after coding-DNA position 5160, G replaced by C.
Molecular consequence: intron variant.
Genome position (GRCh38, 1-based): chr16:2,088,142, G>C. VCF-style: chr16-2088142-G-C. GRCh37 (hg19) VCF-style: chr16-2138143-G-C.
Other names: c.5091+3G>C (NM_001114382.3); c.5031+3G>C (NM_021055.3, NM_001370405.1); c.4962+3G>C (NM_001363528.2); c.5028+3G>C (NM_001370404.1); c.4959+3G>C (NM_001077183.3); c.4851+3G>C (NM_001318827.2); c.4428+3G>C (NM_001318831.2); c.4815+3G>C (NM_001318829.2); and 2 more.
Identifiers: ClinVar variation 49938 (VCV000049938.8), dbSNP rs45517401, ClinGen allele CA021949.
Genomic context (GRCh38, chr16:2,088,142, plus strand): 5'-GATCGTGTCTGACCGCAACCTGCCCTTCGTGGCCCGCCAGATGGCCCTGCACGCAAATGT[G>C]AGTGGGGGTGGGTCCAGGCGTGAGCTGGTGGGACAGGCCCAGGTGCCACCTGATAGTGAG-3'

ClinVar aggregate classification (germline): Uncertain significance. Review status: criteria provided, multiple submitters, no conflicts (2 of 4 stars). 3 submissions from 3 submitters: Uncertain significance (2). 1 of the submissions does not count toward it. Last evaluated 2023-02-16.

Conditions:
TSC2-related disorder. Also called: TSC2-related condition; TSC2-Related Disorders.
Tuberous sclerosis 2 (TSC2). Identifiers: Orphanet 805, MedGen C1860707, MONDO:0013199, OMIM 613254.
Tuberous sclerosis syndrome (TSC). Also called: Tuberous Sclerosis Complex; Tuberous sclerosis. Identifiers: Orphanet 805, MedGen C0041341, MONDO:0001734.

Submissions (3):

PreventionGenetics, part of Exact Sciences
Classification: Uncertain significance for TSC2-related condition. Last evaluated: 2023-02-16. Review status: criteria provided, single submitter. Criteria: ACMG Guidelines, 2015. Collection method: clinical testing. Allele origin: germline.
Comment: The TSC2 c.5160+3G>C variant is predicted to interfere with splicing. This variant is predicted to alter splicing based on available splicing prediction programs (Alamut Visual Plus v1.6.1). However, the use of computer prediction programs is not equivalent to functional evidence. This variant has been reported in an individual with tuberous sclerosis complex (Table 2, Hung et al. 2006. PubMed ID: 16981987). This variant has not been reported in a large population database, indicating this variant is rare. It is interpreted as uncertain significance in ClinVar. At this time, the clinical significance of this variant is uncertain due to the absence of conclusive functional and genetic evidence.

Labcorp Genetics (formerly Invitae), Labcorp
Classification: Uncertain significance for Tuberous sclerosis 2. Last evaluated: 2021-05-18. Review status: criteria provided, single submitter. Criteria: Invitae Variant Classification Sherloc (09022015). Collection method: clinical testing. Allele origin: germline.
Comment: In summary, the available evidence is currently insufficient to determine the role of this variant in disease. Therefore, it has been classified as a Variant of Uncertain Significance. Nucleotide substitutions within the consensus splice site are a relatively common cause of aberrant splicing (PMID: 17576681, 9536098). Algorithms developed to predict the effect of sequence changes on RNA splicing suggest that this variant may disrupt the consensus splice site, but this prediction has not been confirmed by published transcriptional studies. This variant has been observed in individual(s) with tuberous sclerosis complex (PMID: 16981987). ClinVar contains an entry for this variant (Variation ID: 49938). This variant is not present in population databases (ExAC no frequency). This sequence change falls in intron 40 of the TSC2 gene. It does not directly change the encoded amino acid sequence of the TSC2 protein. It affects a nucleotide within the consensus splice site of the intron.

Tuberous sclerosis database (TSC2)
No classification provided. Condition: TSC. Review status: no classification provided. Criteria: Tuberous Sclerosis Database Assertion Criteria 2015. Collection method: curation. Allele origin: germline. Affected: yes. Not counted in ClinVar's aggregate classification.

Literature cited by the submitters: PubMed 17576681 (cited by Labcorp Genetics (formerly Invitae), Labcorp); PubMed 9536098 (cited by Labcorp Genetics (formerly Invitae), Labcorp); PubMed 16981987 (cited by Labcorp Genetics (formerly Invitae), Labcorp).